The following is an entry in ClinVar:

ClinVar aggregate classification (germline): Pathogenic (1 of 4 stars; one submission).

Submission:

Labcorp Genetics (formerly Invitae), Labcorp
Classification: Pathogenic. Last evaluated: 2022-08-03. Review status: criteria provided, single submitter. Criteria: Invitae Variant Classification Sherloc (09022015). Collection method: clinical testing. Allele origin: germline.
Comment: This variant is not present in population databases (gnomAD no frequency). For these reasons, this variant has been classified as Pathogenic. Algorithms developed to predict the effect of sequence changes on RNA splicing suggest that this variant may disrupt the consensus splice site. This variant has not been reported in the literature in individuals affected with POLE-related conditions. This sequence change creates a premature translational stop signal (p.Glu2082*) in the POLE gene. It is expected to result in an absent or disrupted protein product. Loss-of-function variants in POLE are known to be pathogenic (PMID: 23230001, 25948378, 30503519).

Literature cited by the submitters: PubMed 23230001; PubMed 25948378; PubMed 30503519.

NM_006231.4(POLE):c.6244G>T (p.Glu2082Ter)

Gene: POLE (DNA polymerase epsilon, catalytic subunit; minus strand). Cytogenetic location: 12q24.33.
Variant type: single nucleotide variant.
Coding change: c.6244G>T on transcript NM_006231.4 (MANE Select); coding-DNA position 6244, G replaced by T.
Protein change: p.Glu2082Ter; replaces glutamic acid 2082 with a stop codon.
Molecular consequence: nonsense.
Genome position (GRCh38, 1-based): chr12:132,632,401, C>A on the plus strand (G>T on the coding strand, the complement: POLE is on the minus strand). VCF-style: chr12-132632401-C-A. GRCh37 (hg19) VCF-style: chr12-133208987-C-A.
Other names: short protein forms E2082*.
Identifiers: ClinVar variation 2021218 (VCV002021218.4), dbSNP rs1285938402, ClinGen allele CA387369561.
Genomic context (GRCh38, chr12:132,632,401, plus strand): 5'-GGGCAGGGTTATTGAGCAGCAAGTGGGAACCGGGGAGGACAGGAAACATCTCTGAGAGCT[C>A]AGTGGAGTTCCGAGAGCCTGTGACTTTCTTCTGAATCTTCTGAGTGATGGTGAAGAAGCT-3'